The following is an entry in ClinVar:

NM_021870.3(FGG):c.124G>A (p.Gly42Ser)

Gene: FGG (fibrinogen gamma chain; minus strand). Cytogenetic location: 4q32.1.
Variant type: single nucleotide variant.
Coding change: c.124G>A on transcript NM_021870.3 (MANE Select); coding-DNA position 124, G replaced by A.
Protein change: p.Gly42Ser; replaces glycine 42 with serine.
Molecular consequence: missense variant.
Genome position (GRCh38, 1-based): chr4:154,612,201, C>T on the plus strand (G>A on the coding strand, the complement: FGG is on the minus strand). VCF-style: chr4-154612201-C-T. GRCh37 (hg19) VCF-style: chr4-155533353-C-T.
Other names: p.Gly42Ser; c.124G>A, p.Gly42Ser (NM_000509.6); c.124G>A (NM_000509.5); short protein forms G42S.
Identifiers: ClinVar variation 900593 (VCV000900593.57), dbSNP rs202132393, ClinGen allele CA3115721.
Genomic context (GRCh38, chr4:154,612,201, plus strand): 5'-CTTTGGTTTGATAAGTAGACAGGAAATCTGCAATGCCACAGGTAGTTGGACAATAACTAC[C>T]CTGAAAATATAACAGTGATTAAAAATGTAGACAGATGCTACTCTTAAAATCTATTAAGAA-3'
Protein context (NP_068656.2, residues 32-52): DNCCILDERF[Gly42Ser]SYCPTTCGIA

ClinVar aggregate classification (germline): Conflicting classifications of pathogenicity. Review status: criteria provided, conflicting classifications (1 of 4 stars). 10 submissions from 10 submitters: Uncertain significance (8); Likely benign (1). 1 of the submissions does not count toward it. Last evaluated 2026-04-16.

Conditions:
FGG-related disorder. Also called: FGG-related condition.
Congenital afibrinogenemia. Identifiers: Orphanet 335, Orphanet 98880, MedGen C2584774, MONDO:0008737, OMIM 202400.

Allele frequency attached by ClinVar (database versions not stated): 1000 Genomes Project 30x 0.00016; 1000 Genomes Project 0.00020; ESP Exome Variant Server 0.00023; gnomAD 0.00034 and 0.00035; ExAC 0.00042; TOPMed 0.00047.
gnomAD v4.1: 580 of 1,609,136 alleles (0.036%); highest among the groups gnomAD compares: Middle Eastern, 1%; no homozygotes.

Submissions (10):

PreventionGenetics, part of Exact Sciences
Classification: Uncertain significance for FGG-related condition. Last evaluated: 2026-04-16. Review status: criteria provided, single submitter. Criteria: ACMG Guidelines, 2015. Collection method: clinical testing. Allele origin: germline.
Comment: The FGG c.124G>A variant is predicted to result in the amino acid substitution p.Gly42Ser. This variant has been reported in an individual with dysfibrinogenemia (Pietrys et al. 2011. PubMed ID: 21725578; Wypasek et al. 2019. PubMed ID: 31479941). This variant is reported in 0.14% of alleles in individuals of Ashkenazi Jewish descent in gnomAD, including two homozygotes. Although we suspect that this variant may be benign, at this time, the clinical significance of this variant is uncertain due to the absence of conclusive functional and genetic evidence.

Women's Health and Genetics/Laboratory Corporation of America, LabCorp
Classification: Uncertain significance. Last evaluated: 2026-01-06. Review status: criteria provided, single submitter. Criteria: LabCorp Variant Classification Summary - May 2015. Collection method: clinical testing. Allele origin: germline.
Comment: Variant summary: FGG c.124G>A (p.Gly42Ser) results in a non-conservative amino acid change in the encoded protein sequence. Algorithms developed to predict the effect of missense changes on protein structure and function all suggest that this variant is likely to be disruptive. Several computational tools predict a significant impact on normal splicing: Four predict the variant weakens a 3' acceptor site. Two predict the variant creates a 3' acceptor site. One predicts the variant abolishes a cryptic 5' donor site. However, these predictions have yet to be confirmed by functional studies. The variant allele was found at a frequency of 0.00042 in 242562 control chromosomes in the gnomAD database, including 2 homozygotes. This frequency is not significantly higher than estimated for disease-causing variants in FGG, allowing no conclusion about variant significance. c.124G>A has been reported in the literature in at least one heterozygous individual affected with symptomatic dysfibrinogenemia (e.g., Pietrys_2011, Wypasek_2019, Undas_2019). These report(s) do not provide unequivocal conclusions about association of the variant with Congenital Dysfibrinogenemia. To our knowledge, no experimental evidence demonstrating an impact on protein function has been reported. The following publications have been ascertained in the context of this evaluation (PMID: 21725578, 31479941, 27884173, 33583942, 33876560, 38584274, 28492530, 31797863, 34426522, 37647632, 35552711, 29240685). ClinVar contains an entry for this variant (Variation ID: 900593). Based on the evidence outlined above, the variant was classified as uncertain significance.

Labcorp Genetics (formerly Invitae), Labcorp
Classification: Uncertain significance. Last evaluated: 2026-01-02. Review status: criteria provided, single submitter. Criteria: Invitae Variant Classification Sherloc (09022015). Collection method: clinical testing. Allele origin: germline.
Comment: This sequence change replaces glycine, which is neutral and non-polar, with serine, which is neutral and polar, at codon 42 of the FGG protein (p.Gly42Ser). This variant is present in population databases (rs202132393, gnomAD 0.1%). This missense change has been observed in individual(s) with clinical features of FGG-related conditions (PMID: 21725578). ClinVar contains an entry for this variant (Variation ID: 900593). An algorithm developed to predict the effect of missense changes on protein structure and function (PolyPhen-2) suggests that this variant is likely to be disruptive. Algorithms developed to predict the effect of sequence changes on RNA splicing suggest that this variant may disrupt the consensus splice site. In summary, the available evidence is currently insufficient to determine the role of this variant in disease. Therefore, it has been classified as a Variant of Uncertain Significance.

Center for Genomic Medicine, Rigshospitalet, Copenhagen University Hospital
Classification: Uncertain significance. Last evaluated: 2025-12-29. Review status: criteria provided, single submitter. Criteria: ACMG Guidelines, 2015. Collection method: clinical testing. Allele origin: germline.

Mayo Clinic Laboratories, Mayo Clinic
Classification: Uncertain significance. Last evaluated: 2025-05-06. Review status: criteria provided, single submitter. Criteria: ACMG Guidelines, 2015. Collection method: clinical testing. Allele origin: germline. Observed: 5 variant alleles.
Comment: BS1, PP3, PS3

Mendelics
Classification: Uncertain significance. Last evaluated: 2022-05-04. Review status: criteria provided, single submitter. Criteria: Mendelics Assertion Criteria 2019. Collection method: clinical testing. Allele origin: germline.

CeGaT Center for Human Genetics Tuebingen
Classification: Likely benign. Last evaluated: 2020-02-01. Review status: criteria provided, single submitter. Criteria: CeGaT Center For Human Genetics Tuebingen Variant Classification Criteria Version 2. Collection method: clinical testing. Allele origin: germline. Affected: yes. Observed: 1 variant allele.

GeneDx
Classification: Uncertain significance. Last evaluated: 2019-11-11. Review status: criteria provided, single submitter. Criteria: GeneDx Variant Classification Process June 2021. Collection method: clinical testing. Allele origin: germline. Affected: yes.
Comment: In silico analysis, which includes protein predictors and evolutionary conservation, supports a deleterious effect; In-silico analysis, which includes splice predictors and evolutionary conservation, is inconclusive as to whether the variant alters gene splicing. In the absence of RNA/functional studies, the actual effect of this sequence change is unknown.; This variant is associated with the following publications: (PMID: 28492530, 21725578, 27884173, 31479941, 27677677)

Illumina Laboratory Services, Illumina
Classification: Uncertain significance for Congenital afibrinogenemia. Last evaluated: 2018-01-12. Review status: criteria provided, single submitter. Criteria: ICSL Variant Classification Criteria 13 December 2019. Collection method: clinical testing. Allele origin: germline.

Department of Pathology and Laboratory Medicine, Sinai Health System
Classification: Uncertain significance. Review status: no assertion criteria provided. Collection method: clinical testing. Allele origin: unknown. Affected: yes. Study: The Canadian Open Genetics Repository (COGR). Not counted in ClinVar's aggregate classification.
Comment: The FGG p.Gly42Ser variant was not identified in the literature nor was it identified in ClinVar, Cosmic or LOVD 3.0. The variant was identified in dbSNP (ID: rs202132393) and in control databases in 109 of 273944 chromosomes (2 homozygous) at a frequency of 0.000398, increasing the likelihood this could be a low frequency benign variant (Genome Aggregation Database March 6, 2019, v2.1.1). The variant was observed in the following populations: Other in 10 of 7022 chromosomes (freq: 0.001424), Ashkenazi Jewish in 14 of 10212 chromosomes (freq: 0.001371), Latino in 26 of 34600 chromosomes (freq: 0.000751), European (non-Finnish) in 57 of 123364 chromosomes (freq: 0.000462) and African in 2 of 24438 chromosomes (freq: 0.000082), while the variant was not observed in the East Asian, European (Finnish) and South Asian populations. The p.Gly42 residue is conserved across mammals and other organisms, and four out of five computational analyses (PolyPhen-2, SIFT, AlignGVGD, BLOSUM, MutationTaster) suggest that the variant may impact the protein; however, this information is not predictive enough to assume pathogenicity. The p.Gly42 variant occurs in the first base of the exon. This position has been shown to be part of the splicing consensus sequence and variants involving this position sometimes affect splicing. In addition, 4 of 4 in silico or computational prediction software programs (SpliceSiteFinder, MaxEntScan, NNSPLICE, GeneSplicer) predict a greater than 10% difference in splicing. However, RNA analysis has not been performed to confirm this prediction. In summary, based on the above information the clinical significance of this variant cannot be determined with certainty at this time. This variant is classified as a variant of uncertain significance.

Literature cited by the submitters: PubMed 27884173 (cited by Women's Health and Genetics/Laboratory Corporation of America, LabCorp); PubMed 34426522 (cited by Women's Health and Genetics/Laboratory Corporation of America, LabCorp); PubMed 21725578 (cited by 3 submitters); PubMed 31479941 (cited by Women's Health and Genetics/Laboratory Corporation of America, LabCorp); PubMed 35552711 (cited by Women's Health and Genetics/Laboratory Corporation of America, LabCorp); PubMed 37647632 (cited by Women's Health and Genetics/Laboratory Corporation of America, LabCorp); PubMed 29240685 (cited by Women's Health and Genetics/Laboratory Corporation of America, LabCorp); PubMed 28492530 (cited by Women's Health and Genetics/Laboratory Corporation of America, LabCorp); PubMed 38584274 (cited by Women's Health and Genetics/Laboratory Corporation of America, LabCorp); PubMed 33876560 (cited by Women's Health and Genetics/Laboratory Corporation of America, LabCorp); PubMed 33583942 (cited by Women's Health and Genetics/Laboratory Corporation of America, LabCorp); PubMed 31797863 (cited by Women's Health and Genetics/Laboratory Corporation of America, LabCorp); PubMed 33330551 (cited by Mayo Clinic Laboratories, Mayo Clinic); PubMed 37144786 (cited by Mayo Clinic Laboratories, Mayo Clinic).